The following is an entry in ClinVar:

NM_000334.4(SCN4A):c.4044C>A (p.Asp1348Glu)

Genes: GH-LCR (growth hormone locus control region; plus strand), SCN4A (sodium voltage-gated channel alpha subunit 4; minus strand). Cytogenetic location: 17q23.3.
Variant type: single nucleotide variant.
Coding change: c.4044C>A on transcript NM_000334.4 (MANE Select); coding-DNA position 4044, C replaced by A.
Protein change: p.Asp1348Glu; replaces aspartic acid 1348 with glutamic acid.
Molecular consequence: missense variant.
Genome position (GRCh38, 1-based): chr17:63,943,070, G>T on the plus strand (C>A on the coding strand, the complement: SCN4A is on the minus strand). VCF-style: chr17-63943070-G-T. GRCh37 (hg19) VCF-style: chr17-62020430-G-T.
Other names: short protein forms D1348E.
Identifiers: ClinVar variation 2131556 (VCV002131556.4), dbSNP rs888315300, ClinGen allele CA292958346.

ClinVar aggregate classification (germline): Uncertain significance (1 of 4 stars; one submission).

Conditions:
Hyperkalemic periodic paralysis. Also called: Familial hyperkalemic periodic paralysis; Gamstorp disease. Identifiers: Orphanet 682, MedGen C0238357, MONDO:0008224, OMIM 170500, HP:0007215.

Submission:

Labcorp Genetics (formerly Invitae), Labcorp
Classification: Uncertain significance for Hyperkalemic periodic paralysis. Last evaluated: 2022-04-28. Review status: criteria provided, single submitter. Criteria: Invitae Variant Classification Sherloc (09022015). Collection method: clinical testing. Allele origin: germline.
Comment: This sequence change replaces aspartic acid, which is acidic and polar, with glutamic acid, which is acidic and polar, at codon 1348 of the SCN4A protein (p.Asp1348Glu). This variant is not present in population databases (gnomAD no frequency). This variant has not been reported in the literature in individuals affected with SCN4A-related conditions. Algorithms developed to predict the effect of missense changes on protein structure and function (SIFT, PolyPhen-2, Align-GVGD) all suggest that this variant is likely to be disruptive. In summary, the available evidence is currently insufficient to determine the role of this variant in disease. Therefore, it has been classified as a Variant of Uncertain Significance.